The following is an entry in ClinVar:

NM_020774.4(MIB1):c.476G>A (p.Arg159Gln)

Gene: MIB1 (MIB E3 ubiquitin protein ligase 1; plus strand). Cytogenetic location: 18q11.2.
Variant type: single nucleotide variant.
Coding change: c.476G>A on transcript NM_020774.4 (MANE Select); coding-DNA position 476, G replaced by A.
Protein change: p.Arg159Gln; replaces arginine 159 with glutamine.
Molecular consequence: missense variant.
Genome position (GRCh38, 1-based): chr18:21,768,697, G>A. VCF-style: chr18-21768697-G-A. GRCh37 (hg19) VCF-style: chr18-19348658-G-A.
Other names: short protein forms R159Q.
Identifiers: ClinVar variation 3769830 (VCV003769830.2).

ClinVar aggregate classification (germline): Uncertain significance (1 of 4 stars; one submission).

gnomAD v4.1: 59 of 1,610,464 alleles (0.0037%); highest among the groups gnomAD compares: Non-Finnish European, 0.0047%; no homozygotes.

Submission:

GeneDx
Classification: Uncertain significance. Last evaluated: 2025-10-06. Review status: criteria provided, single submitter. Criteria: GeneDx Variant Classification Process June 2021. Collection method: clinical testing. Allele origin: germline.
Comment: Not observed at significant frequency in large population cohorts (gnomAD); In silico analysis supports that this missense variant has a deleterious effect on protein structure/function; Variants in candidate genes are classified as variants of uncertain significance in accordance with ACMG guidelines (PMID: 25741868); Identified in an individual with dilated cardiomyopathy (PMID: 32880476); This variant is associated with the following publications: (PMID: 32880476)